The following is an entry in ClinVar:

ClinVar aggregate classification (germline): Uncertain significance (1 of 4 stars; one submission).

Conditions:
Epidermodysplasia verruciformis. Identifiers: Orphanet 302, MedGen C0014522, MONDO:0009176.

Submission:

Labcorp Genetics (formerly Invitae), Labcorp
Classification: Uncertain significance for Epidermodysplasia verruciformis. Last evaluated: 2022-05-17. Review status: criteria provided, single submitter. Criteria: Invitae Variant Classification Sherloc (09022015). Collection method: clinical testing. Allele origin: germline.
Comment: This variant has not been reported in the literature in individuals affected with TMC6-related conditions. Information on the frequency of this variant in the gnomAD database is not available, as this variant may be reported differently in the database. This sequence change replaces glutamic acid, which is acidic and polar, with leucine, which is neutral and non-polar, at codon 755 of the TMC6 protein (p.Glu755Leu). In summary, the available evidence is currently insufficient to determine the role of this variant in disease. Therefore, it has been classified as a Variant of Uncertain Significance. Algorithms developed to predict the effect of missense changes on protein structure and function are either unavailable or do not agree on the potential impact of this missense change (SIFT: "Not Available"; PolyPhen-2: "Possibly Damaging"; Align-GVGD: "Not Available").

NM_001127198.5(TMC6):c.2263_2264delinsTT (p.Glu755Leu)

Gene: TMC6 (transmembrane channel like 6; minus strand). Cytogenetic location: 17q25.3.
Variant type: Indel.
Coding change: c.2263_2264delinsTT on transcript NM_001127198.5 (MANE Select); coding-DNA positions 2263 to 2264, GA replaced by TT.
Protein change: p.Glu755Leu; replaces glutamic acid 755 with leucine.
Molecular consequence: missense variant. On other transcripts: non-coding transcript variant (4).
Genome position (GRCh38, 1-based): chr17:78,117,282-78,117,283, TC replaced by AA on the plus strand (GA replaced by TT on the coding strand, the reverse complement: TMC6 is on the minus strand). VCF-style: chr17-78117282-TC-AA. GRCh37 (hg19) VCF-style: chr17-76113363-TC-AA.
Other names: c.2263_2264delinsTT, p.Glu755Leu (NM_001321185.1, NM_001374596.1, NM_001375353.1 and 2 more transcripts); c.2083_2084delinsTT, p.Glu695Leu (NM_001374593.1, NM_001374594.1); short protein forms E695L, E755L.
Identifiers: ClinVar variation 1995530 (VCV001995530.4), dbSNP rs2510320530, ClinGen allele CA2580095237.